The following is an entry in ClinVar:

NM_000059.4(BRCA2):c.925T>C (p.Ser309Pro)

Gene: BRCA2 (BRCA2 DNA repair associated; plus strand). Cytogenetic location: 13q13.1.
Variant type: single nucleotide variant.
Coding change: c.925T>C on transcript NM_000059.4 (MANE Select); coding-DNA position 925, T replaced by C.
Protein change: p.Ser309Pro; replaces serine 309 with proline.
Molecular consequence: missense variant.
Genome position (GRCh38, 1-based): chr13:32,332,403, T>C. VCF-style: chr13-32332403-T-C. GRCh37 (hg19) VCF-style: chr13-32906540-T-C.
Other names: c.925T>C, p.Ser309Pro (NM_001406719.1, NM_001406720.1, NM_001406721.1); short protein forms S309P.
Identifiers: ClinVar variation 1766375 (VCV001766375.6), dbSNP rs2137465924, ClinGen allele CA387760753.

ClinVar aggregate classification (germline): Conflicting classifications of pathogenicity. Review status: criteria provided, conflicting classifications (1 of 4 stars). 3 submissions from 3 submitters: Uncertain significance (2); Likely benign (1). Last evaluated 2024-11-15.

Conditions:
Hereditary cancer-predisposing syndrome. Also called: Hereditary Cancer Syndrome; Hereditary neoplastic syndrome; Neoplastic Syndromes, Hereditary; Tumor predisposition. Identifiers: Orphanet 140162, MedGen C0027672, MeSH D009386, MONDO:0015356.
Hereditary breast ovarian cancer syndrome. Also called: Hereditary breast and ovarian cancer; BRCA1- and BRCA2-Associated Hereditary Breast and Ovarian Cancer; Hereditary breast and ovarian cancer syndrome (HBOC); Hereditary breast and ovarian cancer syndrome; Breast and ovarian cancer; Hereditary breast and/or ovarian cancer syndrome. Identifiers: Orphanet 145, MedGen C0677776, MeSH D061325, MONDO:0003582. Disease mechanism: loss of function.

Submissions (3):

Labcorp Genetics (formerly Invitae), Labcorp
Classification: Uncertain significance for Hereditary breast ovarian cancer syndrome. Last evaluated: 2024-11-15. Review status: criteria provided, single submitter. Criteria: Invitae Variant Classification Sherloc (09022015). Collection method: clinical testing. Allele origin: germline.
Comment: This sequence change replaces serine, which is neutral and polar, with proline, which is neutral and non-polar, at codon 309 of the BRCA2 protein (p.Ser309Pro). This variant is not present in population databases (gnomAD no frequency). This variant has not been reported in the literature in individuals affected with BRCA2-related conditions. ClinVar contains an entry for this variant (Variation ID: 1766375). Invitae Evidence Modeling of protein sequence and biophysical properties (such as structural, functional, and spatial information, amino acid conservation, physicochemical variation, residue mobility, and thermodynamic stability) indicates that this missense variant is not expected to disrupt BRCA2 protein function with a negative predictive value of 95%. In summary, the available evidence is currently insufficient to determine the role of this variant in disease. Therefore, it has been classified as a Variant of Uncertain Significance.

University of Washington Department of Laboratory Medicine, University of Washington
Classification: Likely benign for Hereditary cancer-predisposing syndrome. Last evaluated: 2023-03-23. Review status: criteria provided, single submitter. Criteria: Dines et al. (Genet Med. 2020). Collection method: curation. Allele origin: germline.
Comment: Missense variant in a coldspot region where missense variants are very unlikely to be pathogenic (PMID:31911673).

BRCA2 exon 10 coldspot. Reclassification based on statistical prior probability.

Ambry Genetics
Classification: Uncertain significance for Hereditary cancer-predisposing syndrome. Last evaluated: 2021-11-06. Review status: criteria provided, single submitter. Criteria: Ambry Variant Classification Scheme 2023. Collection method: clinical testing. Allele origin: germline.
Comment: The p.S309P variant (also known as c.925T>C), located in coding exon 9 of the BRCA2 gene, results from a T to C substitution at nucleotide position 925. The serine at codon 309 is replaced by proline, an amino acid with similar properties. This amino acid position is conserved. In addition, this alteration is predicted to be tolerated by in silico analysis. Since supporting evidence is limited at this time, the clinical significance of this alteration remains unclear.